The following is an entry in ClinVar:

ClinVar aggregate classification (germline): Conflicting classifications of pathogenicity. Review status: criteria provided, conflicting classifications (1 of 4 stars). 5 submissions from 5 submitters: Uncertain significance (3); Likely benign (1). 1 of the submissions does not count toward it. Last evaluated 2025-11-17.

Conditions:
Hereditary breast ovarian cancer syndrome. Also called: Hereditary breast and ovarian cancer syndrome; Hereditary breast and ovarian cancer; Hereditary breast and ovarian cancer syndrome (HBOC); Breast and ovarian cancer; Hereditary breast and/or ovarian cancer syndrome; BRCA1- and BRCA2-Associated Hereditary Breast and Ovarian Cancer. Identifiers: Orphanet 145, MedGen C0677776, MeSH D061325, MONDO:0003582. Disease mechanism: loss of function.
Breast-ovarian cancer, familial, susceptibility to, 2 (BROVCA2). Also called: BRCA2 Hereditary Breast and Ovarian Cancer. Identifiers: Orphanet 145, MedGen C2675520, MONDO:0012933, OMIM 612555. Disease mechanism: loss of function.
Hereditary cancer-predisposing syndrome. Also called: Neoplastic Syndromes, Hereditary; Tumor predisposition; Hereditary neoplastic syndrome; Hereditary Cancer Syndrome. Identifiers: Orphanet 140162, MedGen C0027672, MeSH D009386, MONDO:0015356.

Submissions (5):

Labcorp Genetics (formerly Invitae), Labcorp
Classification: Uncertain significance for Hereditary breast ovarian cancer syndrome. Last evaluated: 2025-11-17. Review status: criteria provided, single submitter. Criteria: Invitae Variant Classification Sherloc (09022015). Collection method: clinical testing. Allele origin: germline.
Comment: This sequence change replaces glutamic acid, which is acidic and polar, with lysine, which is basic and polar, at codon 305 of the BRCA2 protein (p.Glu305Lys). This variant is not present in population databases (gnomAD no frequency). This missense change has been observed in individual(s) with BRCA2-related conditions (PMID: 10923033). ClinVar contains an entry for this variant (Variation ID: 52761). Invitae Evidence Modeling of protein sequence and biophysical properties (such as structural, functional, and spatial information, amino acid conservation, physicochemical variation, residue mobility, and thermodynamic stability) indicates that this missense variant is not expected to disrupt BRCA2 protein function with a negative predictive value of 95%. In summary, the available evidence is currently insufficient to determine the role of this variant in disease. Therefore, it has been classified as a Variant of Uncertain Significance.

Ambry Genetics
Classification: Uncertain significance for Hereditary cancer-predisposing syndrome. Last evaluated: 2025-01-16. Review status: criteria provided, single submitter. Criteria: Ambry Variant Classification Scheme 2023. Collection method: clinical testing. Allele origin: germline.
Comment: The p.E305K variant (also known as c.913G>A), located in coding exon 9 of the BRCA2 gene, results from a G to A substitution at nucleotide position 913. The glutamic acid at codon 305 is replaced by lysine, an amino acid with similar properties. This amino acid position is well conserved in available vertebrate species. In addition, this alteration is predicted to be tolerated by in silico analysis. Based on the available evidence, the clinical significance of this variant remains unclear.

University of Washington Department of Laboratory Medicine, University of Washington
Classification: Likely benign for Hereditary cancer-predisposing syndrome. Last evaluated: 2023-03-23. Review status: criteria provided, single submitter. Criteria: Dines et al. (Genet Med. 2020). Collection method: curation. Allele origin: germline.
Comment: Missense variant in a coldspot region where missense variants are very unlikely to be pathogenic (PMID:31911673).

BRCA2 exon 10 coldspot. Reclassification based on statistical prior probability.

Color Diagnostics, LLC DBA Color Health
Classification: Uncertain significance for Hereditary cancer-predisposing syndrome. Last evaluated: 2019-05-22. Review status: criteria provided, single submitter. Criteria: ACMG Guidelines, 2015. Collection method: clinical testing. Allele origin: germline.

Breast Cancer Information Core (BIC) (BRCA2)
Classification: Uncertain significance for Breast-ovarian cancer, familial 2. Last evaluated: 2003-12-23. Review status: no assertion criteria provided. Collection method: clinical testing. Allele origin: germline. Affected: yes. Observed: 1 variant allele. Not counted in ClinVar's aggregate classification.

Literature cited by the submitters: PubMed 10923033 (cited by Labcorp Genetics (formerly Invitae), Labcorp).

NM_000059.4(BRCA2):c.913G>A (p.Glu305Lys)

Gene: BRCA2 (BRCA2 DNA repair associated; plus strand). Cytogenetic location: 13q13.1.
Variant type: single nucleotide variant.
Coding change: c.913G>A on transcript NM_000059.4 (MANE Select); coding-DNA position 913, G replaced by A.
Protein change: p.Glu305Lys; replaces glutamic acid 305 with lysine.
Molecular consequence: missense variant.
Genome position (GRCh38, 1-based): chr13:32,332,391, G>A. VCF-style: chr13-32332391-G-A. GRCh37 (hg19) VCF-style: chr13-32906528-G-A.
Other names: short protein forms E305K.
Identifiers: ClinVar variation 52761 (VCV000052761.18), dbSNP rs80359169, ClinGen allele CA026002.